The following is an entry in ClinVar:

NM_019892.6(INPP5E):c.561C>G (p.Ser187Arg)

Gene: INPP5E (inositol polyphosphate-5-phosphatase E; minus strand). Cytogenetic location: 9q34.3.
Variant type: single nucleotide variant.
Coding change: c.561C>G on transcript NM_019892.6 (MANE Select); coding-DNA position 561, C replaced by G.
Protein change: p.Ser187Arg; replaces serine 187 with arginine.
Molecular consequence: missense variant.
Genome position (GRCh38, 1-based): chr9:136,438,859, G>C on the plus strand (C>G on the coding strand, the complement: INPP5E is on the minus strand). VCF-style: chr9-136438859-G-C. GRCh37 (hg19) VCF-style: chr9-139333311-G-C.
Other names: c.561C>G, p.Ser187Arg (NM_001318502.2); short protein forms S187R.
Identifiers: ClinVar variation 2052931 (VCV002052931.4), dbSNP rs2538893062, ClinGen allele CA375568359.

ClinVar aggregate classification (germline): Uncertain significance (1 of 4 stars; one submission).

Conditions:
Joubert syndrome. Also called: CEREBELLOPARENCHYMAL DISORDER IV; JOUBERT-BOLTSHAUSER SYNDROME; Familial aplasia of the vermis. Identifiers: Orphanet 475, MedGen C5979921, MONDO:0018772.

Submission:

Labcorp Genetics (formerly Invitae), Labcorp
Classification: Uncertain significance for Joubert syndrome. Last evaluated: 2021-12-22. Review status: criteria provided, single submitter. Criteria: Invitae Variant Classification Sherloc (09022015). Collection method: clinical testing. Allele origin: germline.
Comment: In summary, the available evidence is currently insufficient to determine the role of this variant in disease. Therefore, it has been classified as a Variant of Uncertain Significance. Advanced modeling of protein sequence and biophysical properties (such as structural, functional, and spatial information, amino acid conservation, physicochemical variation, residue mobility, and thermodynamic stability) performed at Invitae indicates that this missense variant is not expected to disrupt INPP5E protein function. This variant has not been reported in the literature in individuals affected with INPP5E-related conditions. This variant is not present in population databases (gnomAD no frequency). This sequence change replaces serine, which is neutral and polar, with arginine, which is basic and polar, at codon 187 of the INPP5E protein (p.Ser187Arg).